The following is an entry in ClinVar:

NM_001330360.2(POLA1):c.3667C>T (p.His1223Tyr)

Gene: POLA1 (DNA polymerase alpha 1, catalytic subunit; plus strand). Cytogenetic location: Xp22.11.
Variant type: single nucleotide variant.
Coding change: c.3667C>T on transcript NM_001330360.2 (MANE Select); coding-DNA position 3667, C replaced by T.
Protein change: p.His1223Tyr; replaces histidine 1223 with tyrosine.
Molecular consequence: missense variant. On other transcripts: non-coding transcript variant (2).
Genome position (GRCh38, 1-based): chrX:24,826,532, C>T. VCF-style: chrX-24826532-C-T. GRCh37 (hg19) VCF-style: chrX-24844649-C-T.
Other names: c.3592C>T, p.His1198Tyr (NM_001378303.1); c.3649C>T, p.His1217Tyr (NM_016937.4); short protein forms H1217Y, H1223Y, H1198Y.
Identifiers: ClinVar variation 1347279 (VCV001347279.9), dbSNP rs896980879, ClinGen allele CA326918240.
Genomic context (GRCh38, chrX:24,826,532, plus strand): 5'-CAGCTGCAGAAACAGGATAATCTAACCATTGACACCCAGTACTACCTGGCCCAGCAGATC[C>T]ACCCAGTCGTGGCTCGGATCTGTGAACCAATAGACGGAATTGATGCTGTCCTCATTGCAA-3'
Protein context (NP_001317289.1, residues 1213-1233): DTQYYLAQQI[His1223Tyr]PVVARICEPI

ClinVar aggregate classification (germline): Uncertain significance. Review status: criteria provided, multiple submitters, no conflicts (2 of 4 stars). 2 submissions from 2 submitters: Uncertain significance (2). Last evaluated 2025-03-26.

Allele frequency attached by ClinVar (database versions not stated): gnomAD exomes below 0.00001.
gnomAD v4.1: 1 of 1,206,788 alleles (0.000083%); highest among the groups gnomAD compares: Admixed American, 0.0022%; no homozygotes.

Submissions (2):

Labcorp Genetics (formerly Invitae), Labcorp
Classification: Uncertain significance. Last evaluated: 2025-03-26. Review status: criteria provided, single submitter. Criteria: Invitae Variant Classification Sherloc (09022015). Collection method: clinical testing. Allele origin: germline.
Comment: This sequence change replaces histidine, which is basic and polar, with tyrosine, which is neutral and polar, at codon 1217 of the POLA1 protein (p.His1217Tyr). This variant is not present in population databases (gnomAD no frequency). This variant has not been reported in the literature in individuals affected with POLA1-related conditions. ClinVar contains an entry for this variant (Variation ID: 1347279). Invitae Evidence Modeling of protein sequence and biophysical properties (such as structural, functional, and spatial information, amino acid conservation, physicochemical variation, residue mobility, and thermodynamic stability) has been performed for this missense variant. However, the output from this modeling did not meet the statistical confidence thresholds required to predict the impact of this variant on POLA1 protein function. In summary, the available evidence is currently insufficient to determine the role of this variant in disease. Therefore, it has been classified as a Variant of Uncertain Significance.

Mendelics
Classification: Uncertain significance. Last evaluated: 2022-05-04. Review status: criteria provided, single submitter. Criteria: Mendelics Assertion Criteria 2019. Collection method: clinical testing. Allele origin: germline.